The following is an entry in ClinVar:

NM_015272.5(RPGRIP1L):c.3237A>C (p.Ser1079=)

Gene: RPGRIP1L (RPGRIP1 like; minus strand). Cytogenetic location: 16q12.2.
Variant type: single nucleotide variant.
Coding change: c.3237A>C on transcript NM_015272.5 (MANE Select); coding-DNA position 3237, A replaced by C.
Protein change: p.Ser1079=; no amino-acid change (serine 1079 retained).
Molecular consequence: synonymous variant.
Genome position (GRCh38, 1-based): chr16:53,636,496, T>G on the plus strand (A>C on the coding strand, the complement: RPGRIP1L is on the minus strand). VCF-style: chr16-53636496-T-G. GRCh37 (hg19) VCF-style: chr16-53670408-T-G.
Other names: c.3135A>C, p.Ser1045= (NM_001127897.4, NM_001330538.2); c.3237A>C, p.Ser1079= (NM_001308334.3); c.3237A>C (NM_015272.4).
Identifiers: ClinVar variation 2057453 (VCV002057453.6), dbSNP rs1965841741, ClinGen allele CA495538657.

ClinVar aggregate classification (germline): Likely benign. Review status: criteria provided, single submitter (1 of 4 stars). 2 submissions from 2 submitters: Likely benign (1). 1 of the submissions does not count toward it. Last evaluated 2023-11-21.

Conditions:
RPGRIP1L-related disorder. Also called: RPGRIP1L-related condition; RPGRIP1L-related disorders. Identifiers: MedGen CN239416.
Meckel-Gruber syndrome. Also called: Dysencephalia splachnocystica; DYSENCEPHALIA SPLANCHNOCYSTICA; GRUBER SYNDROME. Identifiers: Orphanet 564, MedGen C0265215, MONDO:0018921.
Joubert syndrome. Also called: Familial aplasia of the vermis; JOUBERT-BOLTSHAUSER SYNDROME. Identifiers: Orphanet 475, MedGen C5979921, MONDO:0018772.

Allele frequency attached by ClinVar (database versions not stated): gnomAD exomes below 0.00001.
gnomAD v4.1: 2 of 1,611,766 alleles (0.00012%); highest among the groups gnomAD compares: Non-Finnish European, 0.00017%; no homozygotes.

Submissions (2):

Labcorp Genetics (formerly Invitae), Labcorp
Classification: Likely benign for Joubert syndrome; Meckel-Gruber syndrome. Last evaluated: 2023-11-21. Review status: criteria provided, single submitter. Criteria: Invitae Variant Classification Sherloc (09022015). Collection method: clinical testing. Allele origin: germline.

PreventionGenetics, part of Exact Sciences
Classification: Likely benign for RPGRIP1L-related condition. Last evaluated: 2023-08-03. Review status: no assertion criteria provided. Collection method: clinical testing. Allele origin: germline. Not counted in ClinVar's aggregate classification.
Comment: This variant is classified as likely benign based on ACMG/AMP sequence variant interpretation guidelines (Richards et al. 2015 PMID: 25741868, with internal and published modifications).